The following is an entry in ClinVar:

NM_000256.3(MYBPC3):c.839_840del (p.Gly280fs)

Gene: MYBPC3 (myosin binding protein C3; minus strand). Cytogenetic location: 11p11.2.
Variant type: Deletion.
Coding change: c.839_840del on transcript NM_000256.3 (MANE Select); coding-DNA positions 839 to 840, 2 bases deleted (GT; older notation c.839_840delGT).
Protein change: p.Gly280fs; shifts the reading frame from glycine 280.
Molecular consequence: frameshift variant.
Genome position (GRCh38, 1-based): chr11:47,347,662-47,347,663, AC deleted on the plus strand (GT on the coding strand, the reverse complement: MYBPC3 is on the minus strand). VCF-style (leftmost placement, unchanged base first): chr11-47347661-GAC-G. GRCh37 (hg19) VCF-style: chr11-47369212-GAC-G.
Other names: short protein forms G280fs.
Identifiers: ClinVar variation 2574011 (VCV002574011.4), dbSNP rs2495774704, ClinGen allele CA2580615679.

ClinVar aggregate classification (germline): Pathogenic/Likely pathogenic. Review status: criteria provided, multiple submitters, no conflicts (2 of 4 stars). 2 submissions from 2 submitters: Pathogenic (1); Likely pathogenic (1). Last evaluated 2026-07-01.

Conditions:
Long QT syndrome (LQTS). Identifiers: MedGen C0023976, MeSH D008133, MONDO:0002442. Disease mechanism: loss of function. Inheritance: Various modes of inheritance.

Submissions (2):

CeGaT Center for Human Genetics Tuebingen
Classification: Pathogenic. Last evaluated: 2026-07-01. Review status: criteria provided, single submitter. Criteria: CeGaT Center For Human Genetics Tuebingen Variant Classification Criteria Version 2. Collection method: clinical testing. Allele origin: germline. Affected: yes. Observed: 1 variant allele.
Comment: MYBPC3: PVS1, PM2

Dept of Medical Biology, Uskudar University
Classification: Likely pathogenic for Long QT syndrome. Last evaluated: 2024-01-08. Review status: criteria provided, single submitter. Criteria: Dept of Medical Biology Variant Classification. Collection method: research. Allele origin: maternal. Affected: yes. Observed: 1 variant allele.
Comment: Criteria: PVS1_Strong, PM2